The following is an entry in ClinVar:

NM_001482.3(GATM):c.112A>G (p.Ser38Gly)

Gene: GATM (glycine amidinotransferase; minus strand). Cytogenetic location: 15q21.1.
Variant type: single nucleotide variant.
Coding change: c.112A>G on transcript NM_001482.3 (MANE Select); coding-DNA position 112, A replaced by G.
Protein change: p.Ser38Gly; replaces serine 38 with glycine.
Molecular consequence: missense variant. On other transcripts: 5 prime UTR variant (1).
Genome position (GRCh38, 1-based): chr15:45,376,777, T>C on the plus strand (A>G on the coding strand, the complement: GATM is on the minus strand). VCF-style: chr15-45376777-T-C. GRCh37 (hg19) VCF-style: chr15-45668975-T-C.
Other names: c.-276A>G (NM_001321015.2); short protein forms S38G.
Identifiers: ClinVar variation 1447697 (VCV001447697.8), dbSNP rs1889644507, ClinGen allele CA392265741.

ClinVar aggregate classification (germline): Uncertain significance (1 of 4 stars; one submission).

Conditions:
Arginine:glycine amidinotransferase deficiency (CCDS3). Also called: AGAT deficiency; L-Arginine:Glycine Amidinotransferase Deficiency; Creatine deficiency syndrome due to AGAT deficiency; GATM deficiency; L-Arginine:Glycine Amidinotransferase (AGAT) Deficiency; Cerebral creatine deficiency syndrome 3. Identifiers: Orphanet 35704, MedGen C2675179, MONDO:0012996, OMIM 612718.

Allele frequency attached by ClinVar (database versions not stated): TOPMed below 0.00001.

Submission:

Labcorp Genetics (formerly Invitae), Labcorp
Classification: Uncertain significance for Arginine:glycine amidinotransferase deficiency. Last evaluated: 2022-07-12. Review status: criteria provided, single submitter. Criteria: Invitae Variant Classification Sherloc (09022015). Collection method: clinical testing. Allele origin: germline.
Comment: This variant is not present in population databases (gnomAD no frequency). In summary, the available evidence is currently insufficient to determine the role of this variant in disease. Therefore, it has been classified as a Variant of Uncertain Significance. Algorithms developed to predict the effect of missense changes on protein structure and function are either unavailable or do not agree on the potential impact of this missense change (SIFT: "Deleterious"; PolyPhen-2: "Possibly Damaging"; Align-GVGD: "Class C0"). ClinVar contains an entry for this variant (Variation ID: 1447697). This variant has not been reported in the literature in individuals affected with GATM-related conditions. This sequence change replaces serine, which is neutral and polar, with glycine, which is neutral and non-polar, at codon 38 of the GATM protein (p.Ser38Gly).